The following is an entry in ClinVar:

ClinVar aggregate classification (germline): Uncertain significance (1 of 4 stars; one submission).

Conditions:
Inborn genetic diseases. Identifiers: MedGen C0950123, MeSH D030342.

Submission:

Ambry Genetics
Classification: Uncertain significance for Inborn genetic diseases. Last evaluated: 2025-06-26. Review status: criteria provided, single submitter. Criteria: Ambry Variant Classification Scheme 2023. Collection method: clinical testing. Allele origin: germline.
Comment: The p.G346V variant (also known as c.1037G>T), located in coding exon 1 of the SAMD9 gene, results from a G to T substitution at nucleotide position 1037. The glycine at codon 346 is replaced by valine, an amino acid with dissimilar properties. This amino acid position is conserved. In addition, the in silico prediction for this alteration is inconclusive. Based on the available evidence, the clinical significance of this variant remains unclear.

NM_017654.4(SAMD9):c.1037G>T (p.Gly346Val)

Gene: SAMD9 (sterile alpha motif domain containing 9; minus strand). Cytogenetic location: 7q21.2.
Variant type: single nucleotide variant.
Coding change: c.1037G>T on transcript NM_017654.4 (MANE Select); coding-DNA position 1037, G replaced by T.
Protein change: p.Gly346Val; replaces glycine 346 with valine.
Molecular consequence: missense variant.
Genome position (GRCh38, 1-based): chr7:93,105,061, C>A on the plus strand (G>T on the coding strand, the complement: SAMD9 is on the minus strand). VCF-style: chr7-93105061-C-A. GRCh37 (hg19) VCF-style: chr7-92734374-C-A.
Other names: c.1037G>T, p.Gly346Val (NM_001193307.2); short protein forms G346V.
Identifiers: ClinVar variation 4159037 (VCV004159037.1).